The following is an entry in ClinVar:

ClinVar aggregate classification (germline): Likely benign. Review status: criteria provided, multiple submitters, no conflicts (2 of 4 stars). 2 submissions from 2 submitters: Likely benign (2). Last evaluated 2026-04-14.

Conditions:
Cardiovascular phenotype. Identifiers: MedGen CN230736.
MYPN-related disorder. Also called: MYPN-related condition.

gnomAD v4.1: 21 of 1,613,604 alleles (0.0013%); highest among the groups gnomAD compares: Non-Finnish European, 0.0018%; no homozygotes.

Submissions (2):

Ambry Genetics
Classification: Likely benign for Cardiovascular phenotype. Last evaluated: 2026-04-14. Review status: criteria provided, single submitter. Criteria: Ambry Variant Classification Scheme 2023. Collection method: clinical testing. Allele origin: germline.

PreventionGenetics, part of Exact Sciences
Classification: Likely benign for MYPN-related condition. Last evaluated: 2025-12-12. Review status: criteria provided, single submitter. Criteria: ACMG Guidelines, 2015. Collection method: clinical testing. Allele origin: germline.
Comment: This variant is classified as likely benign based on ACMG/AMP sequence variant interpretation guidelines (Richards et al. 2015 PMID: 25741868, with internal and published modifications).

NM_032578.4(MYPN):c.2946G>C (p.Gly982=)

Gene: MYPN (myopalladin; plus strand). Cytogenetic location: 10q21.3.
Variant type: single nucleotide variant.
Coding change: c.2946G>C on transcript NM_032578.4 (MANE Select); coding-DNA position 2946, G replaced by C.
Protein change: p.Gly982=; no amino-acid change (glycine 982 retained).
Molecular consequence: synonymous variant. On other transcripts: non-coding transcript variant (2).
Genome position (GRCh38, 1-based): chr10:68,194,383, G>C. VCF-style: chr10-68194383-G-C. GRCh37 (hg19) VCF-style: chr10-69954140-G-C.
Other names: c.2946G>C, p.Gly982= (NM_001256267.2); c.2064G>C, p.Gly688= (NM_001256268.2).
Identifiers: ClinVar variation 4860702 (VCV004860702.2).